The following is an entry in ClinVar:

ClinVar aggregate classification (germline): Uncertain significance (1 of 4 stars; one submission).

Conditions:
Hereditary cancer-predisposing syndrome. Also called: Hereditary neoplastic syndrome; Tumor predisposition; Hereditary Cancer Syndrome; Neoplastic Syndromes, Hereditary. Identifiers: Orphanet 140162, MedGen C0027672, MeSH D009386, MONDO:0015356.

Submission:

Ambry Genetics
Classification: Uncertain significance for Hereditary cancer-predisposing syndrome. Last evaluated: 2023-06-16. Review status: criteria provided, single submitter. Criteria: Ambry Variant Classification Scheme 2023. Collection method: clinical testing. Allele origin: germline.
Comment: The p.S2581R variant (also known as c.7743T>A), located in coding exon 15 of the APC gene, results from a T to A substitution at nucleotide position 7743. The serine at codon 2581 is replaced by arginine, an amino acid with dissimilar properties. This amino acid position is conserved. In addition, in silico predictors for this gene do not accurately predict pathogenicity. Since supporting evidence is limited at this time, the clinical significance of this alteration remains unclear.

NM_000038.6(APC):c.7743T>A (p.Ser2581Arg)

Gene: APC (APC regulator of Wnt signaling pathway; plus strand). Cytogenetic location: 5q22.2.
Variant type: single nucleotide variant.
Coding change: c.7743T>A on transcript NM_000038.6 (MANE Select); coding-DNA position 7743, T replaced by A.
Protein change: p.Ser2581Arg; replaces serine 2581 with arginine.
Molecular consequence: missense variant. On other transcripts: non-coding transcript variant (2).
Genome position (GRCh38, 1-based): chr5:112,843,337, T>A. VCF-style: chr5-112843337-T-A. GRCh37 (hg19) VCF-style: chr5-112179034-T-A.
Other names: c.7797T>A, p.Ser2599Arg (NM_001407449.1, NM_001354896.2, NM_001407447.1 and 1 more transcripts); c.7743T>A, p.Ser2581Arg (NM_001407450.1, NM_001127510.3, NM_001354895.2); c.7722T>A, p.Ser2574Arg (NM_001407451.1); c.7713T>A, p.Ser2571Arg (NM_001407452.1); c.7566T>A, p.Ser2522Arg (NM_001407453.1, NM_001354901.2); c.7494T>A, p.Ser2498Arg (NM_001407454.1, NM_001407455.1, NM_001407456.1 and 1 more transcripts); c.7440T>A, p.Ser2480Arg (NM_001407458.1, NM_001407459.1, NM_001407460.1 and 1 more transcripts); c.7356T>A, p.Ser2452Arg (NM_001407467.1, NM_001407469.1); and 11 more; short protein forms S2498R, S2540R, S2591R, S2197R, S2455R, S2563R, S2421R, S2480R.
Identifiers: ClinVar variation 2586969 (VCV002586969.2), dbSNP rs1291847947, ClinGen allele CA16038146.